The following is an entry in ClinVar:

NM_001377.3(DYNC2H1):c.10157T>C (p.Ile3386Thr)

Gene: DYNC2H1 (dynein cytoplasmic 2 heavy chain 1; plus strand). Cytogenetic location: 11q22.3.
Variant type: single nucleotide variant.
Coding change: c.10157T>C on transcript NM_001377.3 (MANE Select); coding-DNA position 10157, T replaced by C.
Protein change: p.Ile3386Thr; replaces isoleucine 3386 with threonine.
Molecular consequence: missense variant.
Genome position (GRCh38, 1-based): chr11:103,253,399, T>C. VCF-style: chr11-103253399-T-C. GRCh37 (hg19) VCF-style: chr11-103124128-T-C.
Other names: c.10178T>C, p.Ile3393Thr (NM_001080463.2); short protein forms I3393T, I3386T.
Identifiers: ClinVar variation 618613 (VCV000618613.9), dbSNP rs542490708, ClinGen allele CA6254898.

ClinVar aggregate classification (germline): Uncertain significance (1 of 4 stars; one submission).

Allele frequency attached by ClinVar (database versions not stated): 1000 Genomes Project below 0.00001; gnomAD exomes below 0.00001 and 0.00001; ExAC 0.00002.
gnomAD v4.1: 8 of 1,613,372 alleles (0.0005%); highest among the groups gnomAD compares: South Asian, 0.0066%; no homozygotes.

Submission:

ARUP Laboratories, Molecular Genetics and Genomics, ARUP Laboratories
Classification: Uncertain significance. Last evaluated: 2018-04-20. Review status: criteria provided, single submitter. Criteria: ARUP Molecular Germline Variant Investigation Process. Collection method: clinical testing. Allele origin: germline.
Comment: The DYNC2H1 c.10178T>C; p.Ile3393Thr variant (rs542490708), to our knowledge, is not reported in the medical literature, gene specific variation databases, nor has it been previously identified by our laboratory. This variant is listed in the genome Aggregation Database (gnomAD) with an overall population frequency of 0.0004 % (identified on 1 out of 245,870 chromosomes). The isoleucine at position 3393 is highly conserved, considering 28 species, and computational analyses of the effects of the p.Ile3393Thr variant on protein structure and function do not predict a deleterious effect (SIFT: benign, PolyPhen-2: tolerated). Based on the available information, the clinical significance of the p.Ile3393Thr variant cannot be determined with certainty.